The following is an entry in ClinVar:

NM_001080414.4(CCDC88C):c.934C>T (p.Arg312Ter)

Gene: CCDC88C (coiled-coil and HOOK domain protein 88C; minus strand). Cytogenetic location: 14q32.11.
Variant type: single nucleotide variant.
Coding change: c.934C>T on transcript NM_001080414.4 (MANE Select); coding-DNA position 934, C replaced by T.
Protein change: p.Arg312Ter; replaces arginine 312 with a stop codon.
Molecular consequence: nonsense.
Genome position (GRCh38, 1-based): chr14:91,338,121, G>A on the plus strand (C>T on the coding strand, the complement: CCDC88C is on the minus strand). VCF-style: chr14-91338121-G-A. GRCh37 (hg19) VCF-style: chr14-91804465-G-A.
Other names: short protein forms R312*.
Identifiers: ClinVar variation 39861 (VCV000039861.9), dbSNP rs369384363, ClinGen allele CA130648.

ClinVar aggregate classification (germline): Pathogenic. Review status: criteria provided, multiple submitters, no conflicts (2 of 4 stars). 4 submissions from 4 submitters: Pathogenic (3). 1 of the submissions does not count toward it. Last evaluated 2024-05-25.

Conditions:
Spinocerebellar ataxia type 40. Identifiers: Orphanet 423275, MedGen C4518336, MONDO:0014475, OMIM 616053.
Hydrocephalus, nonsyndromic, autosomal recessive 1 (HYC1). Also called: Congenital hydrocephalus 1; Hydrocephalus, nonsyndromic, autosomal recessive. Identifiers: Orphanet 2185, MedGen C3887608, MONDO:0009360, OMIM 236600.

Allele frequency attached by ClinVar (database versions not stated): TOPMed 0.00002; ESP Exome Variant Server 0.00008.
gnomAD v4.1: 16 of 1,613,780 alleles (0.00099%); highest among the groups gnomAD compares: Non-Finnish European, 0.00059%; no homozygotes.

Submissions (4):

Myriad Genetics, Inc.
Classification: Pathogenic for Hydrocephalus, nonsyndromic, autosomal recessive 1. Last evaluated: 2024-05-25. Review status: criteria provided, single submitter. Criteria: Myriad Autosomal Dominant, Autosomal Recessive and X-Linked Classification Criteria (2023). Collection method: clinical testing. Allele origin: unknown.
Comment: NM_001080414.3(CCDC88C):c.934C>T(R312*) is expected to be pathogenic in the context of congenital hydrocephalus, CCDC88C-related. This variant is predicted to lead to an abnormal or absent protein product due to the creation of a premature termination codon in CCDC88C, a gene where loss-of-function variants are known to be pathogenic. Please note: this variant was assessed in the context of healthy population screening.

Fulgent Genetics
Classification: Pathogenic for Hydrocephalus, nonsyndromic, autosomal recessive 1; Spinocerebellar ataxia type 40. Last evaluated: 2024-01-22. Review status: criteria provided, single submitter. Criteria: ACMG Guidelines, 2015. Collection method: clinical testing. Allele origin: germline.

Labcorp Genetics (formerly Invitae), Labcorp
Classification: Pathogenic. Last evaluated: 2023-12-17. Review status: criteria provided, single submitter. Criteria: Invitae Variant Classification Sherloc (09022015). Collection method: clinical testing. Allele origin: germline.
Comment: This sequence change creates a premature translational stop signal (p.Arg312*) in the CCDC88C gene. It is expected to result in an absent or disrupted protein product. Loss-of-function variants in CCDC88C are known to be pathogenic (PMID: 23042809, 29225145). This variant is present in population databases (rs369384363, gnomAD 0.04%). This premature translational stop signal has been observed in individual(s) with congenital hydrocephalus (PMID: 23042809). It has also been observed to segregate with disease in related individuals. ClinVar contains an entry for this variant (Variation ID: 39861). For these reasons, this variant has been classified as Pathogenic.

OMIM
Classification: Pathogenic for HYDROCEPHALUS, CONGENITAL, 1. Last evaluated: 2018-07-10. Review status: no assertion criteria provided. Collection method: literature only. Allele origin: germline. Not counted in ClinVar's aggregate classification.

Literature cited by the submitters: PubMed 23042809 (cited by Labcorp Genetics (formerly Invitae), Labcorp); PubMed 29225145 (cited by Labcorp Genetics (formerly Invitae), Labcorp); Drielsma, A. Personal Communication. 2013. Brussels, Belgium (cited by OMIM).